The following is an entry in ClinVar:

NM_001110219.3(GJB6):c.594G>A (p.Ala198=)

Gene: GJB6 (gap junction protein beta 6; minus strand). Cytogenetic location: 13q12.11.
Variant type: single nucleotide variant.
Coding change: c.594G>A on transcript NM_001110219.3 (MANE Select); coding-DNA position 594, G replaced by A.
Protein change: p.Ala198=; no amino-acid change (alanine 198 retained).
Molecular consequence: synonymous variant.
Genome position (GRCh38, 1-based): chr13:20,222,887, C>T on the plus strand (G>A on the coding strand, the complement: GJB6 is on the minus strand). VCF-style: chr13-20222887-C-T. GRCh37 (hg19) VCF-style: chr13-20797026-C-T.
Other names: c.594G>A, p.Ala198= (NM_001110220.3, NM_001110221.3, NM_001370090.1 and 3 more transcripts).
Identifiers: ClinVar variation 1694693 (VCV001694693.36), dbSNP rs763870146, ClinGen allele CA6904409.
Genomic context (GRCh38, chr13:20,222,887, plus strand): 5'-ACACACTTTCAGCAGCAGGTAGCACAACTCTGCCACGTTAAGCAGCATGCAAATCACAGA[C>T]GCAGAAATCATAAAAATGGTAAACACGGTCTTCTCTGTTGGCCTAGAAATAAAGCAGTCA-3'
Protein context (NP_001103689.1, residues 188-208): KTVFTIFMIS[Ala198=]SVICMLLNVA

ClinVar aggregate classification (germline): Likely benign. Review status: criteria provided, multiple submitters, no conflicts (2 of 4 stars). 2 submissions from 2 submitters: Likely benign (2). Last evaluated 2025-04-19.

Conditions:
Autosomal dominant nonsyndromic hearing loss 3B. Identifiers: Orphanet 90635, MedGen C2675237, MONDO:0012975, OMIM 612643.
Autosomal recessive nonsyndromic hearing loss 1A (DFNB1A). Also called: Nonsyndromic Hearing Loss and Deafness, DFNB1; GJB2-Related Autosomal Recessive Nonsyndromic Hearing Loss; GJB6-Related DFNB 1 Nonsyndromic Hearing Loss and Deafness; Deafness, autosomal recessive 1A; Connexin 26 deafness; Deafness nonsyndromic, Connexin 26 linked. Identifiers: Orphanet 90636, MedGen C2673759, MONDO:0009076, OMIM 220290.
Autosomal recessive nonsyndromic hearing loss 1B. Also called: DEAFNESS, AUTOSOMAL RECESSIVE 1B. Identifiers: Orphanet 90636, MedGen C2675235, MONDO:0012977, OMIM 612645.
Hidrotic ectodermal dysplasia syndrome (GJB6). Also called: Ectodermal dysplasia 2, hidrotic; Autosomal dominant hidrotic ectodermal dysplasia; Clouston syndrome; Clouston's hidrotic ectodermal dysplasia; CLOUSTON HIDROTIC ECTODERMAL DYSPLASIA; ECTODERMAL DYSPLASIA 2, CLOUSTON TYPE. Identifiers: Orphanet 189, MedGen C0162361, MONDO:0007510, OMIM 129500.

Allele frequency attached by ClinVar (database versions not stated): ExAC 0.00002; gnomAD 0.00003 and 0.00004; gnomAD exomes 0.00003; TOPMed 0.00004.
gnomAD v4.1: 111 of 1,613,938 alleles (0.0069%); highest among the groups gnomAD compares: Middle Eastern, 0.016%; 1 homozygote.

Submissions (2):

Labcorp Genetics (formerly Invitae), Labcorp
Classification: Likely benign for Autosomal dominant nonsyndromic hearing loss 3B; Hidrotic ectodermal dysplasia syndrome; Autosomal recessive nonsyndromic hearing loss 1B; Autosomal recessive nonsyndromic hearing loss 1A. Last evaluated: 2025-04-19. Review status: criteria provided, single submitter. Criteria: Invitae Variant Classification Sherloc (09022015). Collection method: clinical testing. Allele origin: germline.

CeGaT Center for Human Genetics Tuebingen
Classification: Likely benign. Last evaluated: 2022-04-01. Review status: criteria provided, single submitter. Criteria: CeGaT Center For Human Genetics Tuebingen Variant Classification Criteria Version 2. Collection method: clinical testing. Allele origin: germline. Affected: yes. Observed: 1 variant allele.
Comment: GJB6: BP4, BP7